The following is an entry in ClinVar:

ClinVar aggregate classification (germline): Uncertain significance (1 of 4 stars; one submission).

Conditions:
Cardiomyopathy (CMYO). Also called: Cardiomyopathies. Identifiers: Orphanet 167848, MedGen C0878544, MONDO:0004994, HP:0001638. Inheritance: Various modes of inheritance.

Submission:

All of Us Research Program, National Institutes of Health
Classification: Uncertain significance for Cardiomyopathy. Last evaluated: 2024-04-16. Review status: criteria provided, single submitter. Criteria: ACMG Guidelines, 2015. Collection method: clinical testing. Allele origin: germline. Inheritance: Autosomal dominant inheritance. Observed: 1 variant allele, 1 heterozygote.
Comment: This variant causes a G to A nucleotide substitution at the +3 position of intron 32 of the MYH7 gene. To our knowledge, RNA studies have not been reported for this variant. This variant has not been reported in individuals affected with MYH7-related disorders in the literature. This variant has not been identified in the general population by the Genome Aggregation Database (gnomAD). The available evidence is insufficient to determine the role of this variant in disease conclusively. Therefore, this variant is classified as a Variant of Uncertain Significance.

This study involves interpretation of variants in research participants for the purpose of population health screening. Participant phenotype was not available at the time of variant classification. Additional details can be found in publication PMID: 35346344, PMCID: PMC8962531

NM_000257.4(MYH7):c.4519+3G>A

Genes: MHRT (myosin heavy chain associated RNA transcript; plus strand), MYH7 (myosin heavy chain 7; minus strand). Cytogenetic location: 14q11.2.
Variant type: single nucleotide variant.
Coding change: c.4519+3G>A on transcript NM_000257.4 (MANE Select); 3 bases into the intron after coding-DNA position 4519, G replaced by A.
Molecular consequence: intron variant.
Genome position (GRCh38, 1-based): chr14:23,417,150, C>T on the plus strand (G>A on the coding strand, the complement: MYH7 is on the minus strand). VCF-style: chr14-23417150-C-T. GRCh37 (hg19) VCF-style: chr14-23886359-C-T.
Other names: c.4519+3G>A (NM_001407004.1).
Identifiers: ClinVar variation 3387295 (VCV003387295.1).